The following is an entry in ClinVar:

ClinVar aggregate classification (germline): Uncertain significance (1 of 4 stars; one submission).

Conditions:
Inborn genetic diseases. Identifiers: MedGen C0950123, MeSH D030342.

Submission:

Ambry Genetics
Classification: Uncertain significance for Inborn genetic diseases. Last evaluated: 2021-12-01. Review status: criteria provided, single submitter. Criteria: Ambry Variant Classification Scheme 2023. Collection method: clinical testing. Allele origin: germline.
Comment: The p.H67Q variant (also known as c.201C>A), located in coding exon 2 of the EPAS1 gene, results from a C to A substitution at nucleotide position 201. The histidine at codon 67 is replaced by glutamine, an amino acid with highly similar properties. This amino acid position is conserved. In addition, this alteration is predicted to be tolerated by in silico analysis. Since supporting evidence is limited at this time, the clinical significance of this alteration remains unclear.

NM_001430.5(EPAS1):c.201C>A (p.His67Gln)

Gene: EPAS1 (endothelial PAS domain protein 1; plus strand). Cytogenetic location: 2p21.
Variant type: single nucleotide variant.
Coding change: c.201C>A on transcript NM_001430.5 (MANE Select); coding-DNA position 201, C replaced by A.
Protein change: p.His67Gln; replaces histidine 67 with glutamine.
Molecular consequence: missense variant.
Genome position (GRCh38, 1-based): chr2:46,347,047, C>A. VCF-style: chr2-46347047-C-A. GRCh37 (hg19) VCF-style: chr2-46574186-C-A.
Other names: short protein forms H67Q.
Identifiers: ClinVar variation 1784512 (VCV001784512.2), dbSNP rs2546440105, ClinGen allele CA346697241.